The following is an entry in ClinVar:

ClinVar aggregate classification (germline): Conflicting classifications of pathogenicity. Review status: criteria provided, conflicting classifications (1 of 4 stars). 2 submissions from 2 submitters: Pathogenic (1); Uncertain significance (1). Last evaluated 2025-08-21.

Conditions:
Hereditary cancer-predisposing syndrome. Also called: Hereditary Cancer Syndrome; Neoplastic Syndromes, Hereditary; Hereditary neoplastic syndrome; Tumor predisposition. Identifiers: Orphanet 140162, MedGen C0027672, MeSH D009386, MONDO:0015356.
Hereditary diffuse gastric adenocarcinoma (HDGC). Also called: DIFFUSE GASTRIC AND LOBULAR BREAST CANCER SYNDROME. Identifiers: Orphanet 26106, MedGen C1708349, MONDO:0007648, OMIM 137215.

Submissions (2):

Ambry Genetics
Classification: Pathogenic for Hereditary cancer-predisposing syndrome. Last evaluated: 2025-08-21. Review status: criteria provided, single submitter. Criteria: Ambry Variant Classification Scheme 2023. Collection method: clinical testing. Allele origin: germline.
Comment: The p.V55M variant (also known as c.163G>A), located in coding exon 2 of the CDH1 gene, results from a G to A substitution at nucleotide position 163. The valine at codon 55 is replace by methionine, an amino acid with highly similar properties. However, this change occurs in the last base pair of coding exon 2 and may have some effect on normal mRNA splicing. This nucleotide position is highly conserved in available vertebrate species. In silico splice site analysis predicts that this alteration will not have any significant effect on splicing; however, RNA studies have demonstrated that this alteration results in abnormal splicing in the set of samples tested (Ambry internal data). This amino acid position is highly conserved in available vertebrate species. In addition, as a missense substitution this is predicted to be tolerated by in silico analysis. This variant was reported in individuals with features consistent with CDH1-related diffuse gastric and lobular breast cancer (DGLBC) (Ambry internal data). This variant is considered to be rare based on population cohorts in the Genome Aggregation Database (gnomAD). Based on the supporting evidence, this variant is interpreted as a disease-causing mutation.

Labcorp Genetics (formerly Invitae), Labcorp
Classification: Uncertain significance for Hereditary diffuse gastric adenocarcinoma. Last evaluated: 2023-04-27. Review status: criteria provided, single submitter. Criteria: Invitae Variant Classification Sherloc (09022015). Collection method: clinical testing. Allele origin: germline.
Comment: This sequence change replaces valine, which is neutral and non-polar, with methionine, which is neutral and non-polar, at codon 55 of the CDH1 protein (p.Val55Met). This variant also falls at the last nucleotide of exon 2, which is part of the consensus splice site for this exon. In summary, the available evidence is currently insufficient to determine the role of this variant in disease. Therefore, it has been classified as a Variant of Uncertain Significance. Variants that disrupt the consensus splice site are a relatively common cause of aberrant splicing (PMID: 17576681, 9536098). RNA analysis performed to evaluate the impact of this missense change on mRNA splicing indicates it does not significantly alter splicing (Invitae). An algorithm developed to predict the effect of missense changes on protein structure and function (PolyPhen-2) suggests that this variant is likely to be disruptive. ClinVar contains an entry for this variant (Variation ID: 819725). This variant has not been reported in the literature in individuals affected with CDH1-related conditions. This variant is not present in population databases (gnomAD no frequency).

Literature cited by the submitters: PubMed 17576681 (cited by Labcorp Genetics (formerly Invitae), Labcorp); PubMed 9536098 (cited by Labcorp Genetics (formerly Invitae), Labcorp).

NM_004360.5(CDH1):c.163G>A (p.Val55Met)

Gene: CDH1 (cadherin 1; plus strand). Cytogenetic location: 16q22.1.
Variant type: single nucleotide variant.
Coding change: c.163G>A on transcript NM_004360.5 (MANE Select); coding-DNA position 163, G replaced by A.
Protein change: p.Val55Met; replaces valine 55 with methionine.
Molecular consequence: missense variant. On other transcripts: 5 prime UTR variant (2).
Genome position (GRCh38, 1-based): chr16:68,738,411, G>A. VCF-style: chr16-68738411-G-A. GRCh37 (hg19) VCF-style: chr16-68772314-G-A.
Other names: c.163G>A, p.Val55Met (NM_001317184.2); c.-1453G>A (NM_001317185.2); c.-1657G>A (NM_001317186.2); short protein forms V55M.
Identifiers: ClinVar variation 819725 (VCV000819725.9), dbSNP rs1597838766, ClinGen allele CA396452334.